The following is an entry in ClinVar:

ClinVar aggregate classification (germline): Uncertain significance (1 of 4 stars; one submission).

Conditions:
Muscular dystrophy-dystroglycanopathy type B6 (MDDGB6). Also called: MUSCULAR DYSTROPHY-DYSTROGLYCANOPATHY (CONGENITAL WITH IMPAIRED INTELLECTUAL DEVELOPMENT), TYPE B, 6; MUSCULAR DYSTROPHY, CONGENITAL, LARGE-RELATED; MUSCULAR DYSTROPHY, CONGENITAL, TYPE 1D. Identifiers: MedGen C1837229, MONDO:0012138, OMIM 608840.

Allele frequency attached by ClinVar (database versions not stated): gnomAD exomes below 0.00001; TOPMed below 0.00001; gnomAD 0.00001.
gnomAD v4.1: 7 of 1,613,918 alleles (0.00043%); highest among the groups gnomAD compares: African/African-American, 0.0013%; no homozygotes.

Submission:

Labcorp Genetics (formerly Invitae), Labcorp
Classification: Uncertain significance for Muscular dystrophy-dystroglycanopathy type B6. Last evaluated: 2022-03-18. Review status: criteria provided, single submitter. Criteria: Invitae Variant Classification Sherloc (09022015). Collection method: clinical testing. Allele origin: germline.
Comment: This sequence change replaces arginine, which is basic and polar, with tryptophan, which is neutral and slightly polar, at codon 447 of the LARGE1 protein (p.Arg447Trp). This variant is not present in population databases (gnomAD no frequency). This variant has not been reported in the literature in individuals affected with LARGE1-related conditions. Algorithms developed to predict the effect of missense changes on protein structure and function are either unavailable or do not agree on the potential impact of this missense change (SIFT: "Deleterious"; PolyPhen-2: "Probably Damaging"; Align-GVGD: "Class C0"). In summary, the available evidence is currently insufficient to determine the role of this variant in disease. Therefore, it has been classified as a Variant of Uncertain Significance.

NM_133642.5(LARGE1):c.1339C>T (p.Arg447Trp)

Gene: LARGE1 (LARGE xylosyl- and glucuronyltransferase 1; minus strand). Cytogenetic location: 22q12.3.
Variant type: single nucleotide variant.
Coding change: c.1339C>T on transcript NM_133642.5 (MANE Select); coding-DNA position 1339, C replaced by T.
Protein change: p.Arg447Trp; replaces arginine 447 with tryptophan.
Molecular consequence: missense variant.
Genome position (GRCh38, 1-based): chr22:33,316,197, G>A on the plus strand (C>T on the coding strand, the complement: LARGE1 is on the minus strand). VCF-style: chr22-33316197-G-A. GRCh37 (hg19) VCF-style: chr22-33712183-G-A.
Other names: c.1339C>T, p.Arg447Trp (NM_001362949.2, NM_001362951.2, NM_001362953.2 and 6 more transcripts); c.1183C>T, p.Arg395Trp (NM_001378629.1); c.736C>T, p.Arg246Trp (NM_001378630.1); c.580C>T, p.Arg194Trp (NM_001378631.1); short protein forms R194W, R246W, R395W, R447W.
Identifiers: ClinVar variation 1928044 (VCV001928044.2), dbSNP rs1460224950, ClinGen allele CA411541198.